The following is an entry in ClinVar:

NM_005045.4(RELN):c.52_63dup (p.Gly18_Leu21dup)

Gene: RELN (reelin; minus strand). Cytogenetic location: 7q22.1.
Variant type: Duplication.
Coding change: c.52_63dup on transcript NM_005045.4 (MANE Select); coding-DNA positions 52 to 63, 12 bases duplicated (GGGGCGACGCTG).
Protein change: p.Gly18_Leu21dup.
Molecular consequence: inframe insertion.
Genome position (GRCh38, 1-based): chr7:103,989,294-103,989,305, CAGCGTCGCCCC duplicated on the plus strand (GGGGCGACGCTG on the coding strand, the reverse complement: RELN is on the minus strand); duplicating any 12 consecutive bases within chr7:103,989,294-103,989,309 gives the same sequence; the c. name uses the placement nearest the transcript's 3' end. VCF-style (leftmost placement, unchanged base first): chr7-103989293-T-TCAGCGTCGCCCC. GRCh37 (hg19) VCF-style: chr7-103629740-T-TCAGCGTCGCCCC.
Other names: c.52_63dup, p.Gly18_Leu21dup (NM_173054.3).
Identifiers: ClinVar variation 935682 (VCV000935682.9), dbSNP rs758519950, ClinGen allele CA4422732.

ClinVar aggregate classification (germline): Uncertain significance (1 of 4 stars; one submission).

Conditions:
Familial temporal lobe epilepsy 7. Identifiers: Orphanet 101046, MedGen C4225327, MONDO:0014639, OMIM 616436.
Norman-Roberts syndrome (LIS2). Also called: Lissencephaly 2 (Norman-Roberts type). Identifiers: Orphanet 89844, MedGen C0796089, MONDO:0009760, OMIM 257320.

Submission:

Labcorp Genetics (formerly Invitae), Labcorp
Classification: Uncertain significance for Familial temporal lobe epilepsy 7; Norman-Roberts syndrome. Last evaluated: 2025-10-16. Review status: criteria provided, single submitter. Criteria: Invitae Variant Classification Sherloc (09022015). Collection method: clinical testing. Allele origin: germline.
Comment: This variant, c.52_63dup, results in the insertion of 4 amino acid(s) of the RELN protein (p.Gly18_Leu21dup), but otherwise preserves the integrity of the reading frame. This variant is present in population databases (rs758519950, gnomAD 0.01%). This variant has not been reported in the literature in individuals affected with RELN-related conditions. ClinVar contains an entry for this variant (Variation ID: 935682). Experimental studies and prediction algorithms are not available or were not evaluated, and the functional significance of this variant is currently unknown. In summary, the available evidence is currently insufficient to determine the role of this variant in disease. Therefore, it has been classified as a Variant of Uncertain Significance.